The following is an entry in ClinVar:

ClinVar aggregate classification (germline): Uncertain significance (1 of 4 stars; one submission).

Conditions:
Charcot-Marie-Tooth disease axonal type 2O. Also called: CHARCOT-MARIE-TOOTH NEUROPATHY, AXONAL, TYPE 2O; CHARCOT-MARIE-TOOTH DISEASE, AXONAL, AUTOSOMAL DOMINANT, TYPE 2O; Charcot-Marie-Tooth Neuropathy Type 2O; Charcot-Marie-Tooth disease, axonal, type 20. Identifiers: Orphanet 284232, MedGen C3280220, MONDO:0013644, OMIM 614228.

gnomAD v4.1: 2 of 1,614,144 alleles (0.00012%); highest among the groups gnomAD compares: Non-Finnish European, 0.00017%; no homozygotes.

Submission:

Labcorp Genetics (formerly Invitae), Labcorp
Classification: Uncertain significance for Charcot-Marie-Tooth disease axonal type 2O. Last evaluated: 2022-11-01. Review status: criteria provided, single submitter. Criteria: Invitae Variant Classification Sherloc (09022015). Collection method: clinical testing. Allele origin: germline.
Comment: In summary, the available evidence is currently insufficient to determine the role of this variant in disease. Therefore, it has been classified as a Variant of Uncertain Significance. Advanced modeling of protein sequence and biophysical properties (such as structural, functional, and spatial information, amino acid conservation, physicochemical variation, residue mobility, and thermodynamic stability) performed at Invitae indicates that this missense variant is not expected to disrupt DYNC1H1 protein function. ClinVar contains an entry for this variant (Variation ID: 1493898). This variant has not been reported in the literature in individuals affected with DYNC1H1-related conditions. This variant is not present in population databases (gnomAD no frequency). This sequence change replaces aspartic acid, which is acidic and polar, with glutamic acid, which is acidic and polar, at codon 3114 of the DYNC1H1 protein (p.Asp3114Glu).

NM_001376.5(DYNC1H1):c.9342T>A (p.Asp3114Glu)

Genes: DYNC1H1 (dynein cytoplasmic 1 heavy chain 1; plus strand), LOC126862060 (BRD4-independent group 4 enhancer GRCh37_chr14:102493659-102494858; plus strand). Cytogenetic location: 14q32.31.
Variant type: single nucleotide variant.
Coding change: c.9342T>A on transcript NM_001376.5 (MANE Select); coding-DNA position 9342, T replaced by A.
Protein change: p.Asp3114Glu; replaces aspartic acid 3114 with glutamic acid.
Molecular consequence: missense variant.
Genome position (GRCh38, 1-based): chr14:102,028,015, T>A. VCF-style: chr14-102028015-T-A. GRCh37 (hg19) VCF-style: chr14-102494352-T-A.
Other names: short protein forms D3114E.
Identifiers: ClinVar variation 1493898 (VCV001493898.6), dbSNP rs2152589319, ClinGen allele CA391013730.